The following is an entry in ClinVar:

ClinVar aggregate classification (germline): Uncertain significance (1 of 4 stars; one submission).

Submission:

GeneDx
Classification: Uncertain significance. Last evaluated: 2026-02-05. Review status: criteria provided, single submitter. Criteria: GeneDx Variant Classification Process June 2021. Collection method: clinical testing. Allele origin: germline.
Comment: Not observed at significant frequency in large population cohorts (gnomAD); In-frame deletion of 5 amino acid(s) in a non-repeat region; Has not been previously published as pathogenic or benign to our knowledge

NM_001613.4(ACTA2):c.655_669del (p.Cys219_Leu223del)

Genes: ACTA2 (actin alpha 2, smooth muscle; minus strand), ACTA2-AS1 (ACTA2 antisense RNA 1; plus strand). Cytogenetic location: 10q23.31.
Variant type: Deletion.
Coding change: c.655_669del on transcript NM_001613.4 (MANE Select); coding-DNA positions 655 to 669, 15 bases deleted (TGTTATGTAGCTCTG).
Protein change: p.Cys219_Leu223del.
Molecular consequence: inframe deletion. On other transcripts: non-coding transcript variant (1), inframe indel (1), intron variant (1).
Genome position (GRCh38, 1-based): chr10:88,939,646-88,939,660, CAGAGCTACATAACA deleted on the plus strand (TGTTATGTAGCTCTG on the coding strand, the reverse complement: ACTA2 is on the minus strand); deleting any 15 consecutive bases within chr10:88,939,646-88,939,663 gives the same sequence; the c. name uses the placement nearest the transcript's 3' end. VCF-style (leftmost placement, unchanged base first): chr10-88939645-CCAGAGCTACATAACA-C. GRCh37 (hg19) VCF-style: chr10-90699402-CCAGAGCTACATAACA-C.
Other names: c.655_669del, p.Cys219_Leu223del (NM_001141945.3, NM_001320855.2, NM_001406462.1 and 2 more transcripts); c.544_558del, p.Cys182_Leu186del (NM_001406466.1); c.526_540del, p.Cys176_Leu180del (NM_001406467.1, NM_001406468.1, NM_001406469.1); c.652_666delCTGTGTTATGTAGCT, p.Cys219_Leu223del (NM_001613.2); c.617-1418_617-1404del (NM_001406471.1).
Identifiers: ClinVar variation 4975650 (VCV004975650.1).